The following is an entry in ClinVar:

ClinVar aggregate classification (germline): Uncertain significance (1 of 4 stars; one submission).

Conditions:
Mitochondrial hypertrophic cardiomyopathy with lactic acidosis due to MTO1 deficiency. Also called: Combined oxidative phosphorylation deficiency 10; CARDIOMYOPATHY, INFANTILE HYPERTROPHIC MITOCHONDRIAL, AND LACTIC ACIDOSIS. Identifiers: Orphanet 314637, MedGen C4749921, MONDO:0013865, OMIM 614702.

Submission:

Labcorp Genetics (formerly Invitae), Labcorp
Classification: Uncertain significance for Mitochondrial hypertrophic cardiomyopathy with lactic acidosis due to MTO1 deficiency. Last evaluated: 2022-07-19. Review status: criteria provided, single submitter. Criteria: Invitae Variant Classification Sherloc (09022015). Collection method: clinical testing. Allele origin: germline.
Comment: In summary, the available evidence is currently insufficient to determine the role of this variant in disease. Therefore, it has been classified as a Variant of Uncertain Significance. Algorithms developed to predict the effect of missense changes on protein structure and function output the following: SIFT: "Tolerated"; PolyPhen-2: "Benign"; Align-GVGD: "Class C0". The glutamine amino acid residue is found in multiple mammalian species, which suggests that this missense change does not adversely affect protein function. ClinVar contains an entry for this variant (Variation ID: 1381098). This variant has not been reported in the literature in individuals affected with MTO1-related conditions. This variant is not present in population databases (gnomAD no frequency). This sequence change replaces leucine, which is neutral and non-polar, with glutamine, which is neutral and polar, at codon 329 of the MTO1 protein (p.Leu329Gln).

NM_012123.4(MTO1):c.986T>A (p.Leu329Gln)

Gene: MTO1 (mitochondrial tRNA translation optimization 1; plus strand). Cytogenetic location: 6q13.
Variant type: single nucleotide variant.
Coding change: c.986T>A on transcript NM_012123.4 (MANE Select); coding-DNA position 986, T replaced by A.
Protein change: p.Leu329Gln; replaces leucine 329 with glutamine.
Molecular consequence: missense variant.
Genome position (GRCh38, 1-based): chr6:73,479,983, T>A. VCF-style: chr6-73479983-T-A. GRCh37 (hg19) VCF-style: chr6-74189706-T-A.
Other names: c.986T>A, p.Leu329Gln (NM_001123226.2, NM_133645.3); short protein forms L329Q.
Identifiers: ClinVar variation 1381098 (VCV001381098.8), dbSNP rs2150035811, ClinGen allele CA364714661.